The following is an entry in ClinVar:

NM_032620.4(GTPBP3):c.1254G>C (p.Val418=)

Gene: GTPBP3 (GTP binding protein 3, mitochondrial; plus strand). Cytogenetic location: 19p13.11.
Variant type: single nucleotide variant.
Coding change: c.1254G>C on transcript NM_032620.4 (MANE Select); coding-DNA position 1254, G replaced by C.
Protein change: p.Val418=; no amino-acid change (valine 418 retained).
Molecular consequence: synonymous variant.
Genome position (GRCh38, 1-based): chr19:17,341,478, G>C. VCF-style: chr19-17341478-G-C. GRCh37 (hg19) VCF-style: chr19-17452287-G-C.
Other names: c.1191G>C, p.Val397= (NM_001128855.3); c.1320G>C, p.Val440= (NM_001195422.1); c.1350G>C, p.Val450= (NM_133644.4).
Identifiers: ClinVar variation 704761 (VCV000704761.14), dbSNP rs113820235, ClinGen allele CA9293696.

ClinVar aggregate classification (germline): Likely benign. Review status: criteria provided, multiple submitters, no conflicts (2 of 4 stars). 3 submissions from 3 submitters: Likely benign (2). 1 of the submissions does not count toward it. Last evaluated 2026-01-28.

Conditions:
GTPBP3-related disorder. Also called: GTPBP3-related condition.

Allele frequency attached by ClinVar (database versions not stated): gnomAD exomes 0.00009 and 0.00018; ExAC 0.00020; 1000 Genomes Project 0.00060; ESP Exome Variant Server 0.00077; 1000 Genomes Project 30x 0.00078; gnomAD 0.00096 and 0.00098; TOPMed 0.00110.
gnomAD v4.1: 287 of 1,607,334 alleles (0.018%); highest among the groups gnomAD compares: African/African-American, 0.33%; 2 homozygotes.

Submissions (6):

Labcorp Genetics (formerly Invitae), Labcorp
Classification: Likely benign. Last evaluated: 2026-01-28. Review status: criteria provided, single submitter. Criteria: Invitae Variant Classification Sherloc (09022015). Collection method: clinical testing. Allele origin: germline.

GeneDx
Classification: Likely benign. Last evaluated: 2021-01-06. Review status: criteria provided, single submitter. Criteria: GeneDx Variant Classification Process June 2021. Collection method: clinical testing. Allele origin: germline. Affected: yes.

PreventionGenetics, part of Exact Sciences
Classification: Likely benign for GTPBP3-related condition. Last evaluated: 2019-03-18. Review status: no assertion criteria provided. Collection method: clinical testing. Allele origin: germline. Not counted in ClinVar's aggregate classification.
Comment: This variant is classified as likely benign based on ACMG/AMP sequence variant interpretation guidelines (Richards et al. 2015 PMID: 25741868, with internal and published modifications).

Dr. Peter K. Rogan Lab, Western University
No classification provided (evidence only). Condition: Uterine corpus endometrial carcinoma. Review status: no classification provided. Collection method: in vitro. Allele origin: not applicable. Functional consequence: retained intron. Not counted in ClinVar's aggregate classification.

Dr. Peter K. Rogan Lab, Western University
No classification provided (evidence only). Condition: Ovarian serous cystadenocarcinoma. Review status: no classification provided. Collection method: in vitro. Allele origin: not applicable. Functional consequence: retained intron. Not counted in ClinVar's aggregate classification.

Dr. Peter K. Rogan Lab, Western University
No classification provided (evidence only). Condition: Gastric cancer. Review status: no classification provided. Collection method: in vitro. Allele origin: not applicable. Functional consequence: retained intron. Not counted in ClinVar's aggregate classification.